The following is an entry in ClinVar:

ClinVar aggregate classification (germline): Benign/Likely benign. Review status: criteria provided, multiple submitters, no conflicts (2 of 4 stars). 5 submissions from 5 submitters: Benign (2); Likely benign (2). 1 of the submissions does not count toward it. Last evaluated 2026-09-01.

Conditions:
EEF2-related disorder. Also called: EEF2-related condition.

Allele frequency attached by ClinVar (database versions not stated): 1000 Genomes Project 30x 0.00031; 1000 Genomes Project 0.00040; TOPMed 0.00095; gnomAD 0.00106 and 0.00108; gnomAD exomes 0.00114 and 0.00169; ExAC 0.00119; ESP Exome Variant Server 0.00154.
gnomAD v4.1: 2,603 of 1,614,102 alleles (0.16%); highest among the groups gnomAD compares: Non-Finnish European, 0.2%; 2 homozygotes.

Submissions (5):

CeGaT Center for Human Genetics Tuebingen
Classification: Likely benign. Last evaluated: 2026-09-01. Review status: criteria provided, single submitter. Criteria: CeGaT Center For Human Genetics Tuebingen Variant Classification Criteria Version 2. Collection method: clinical testing. Allele origin: germline. Affected: yes. Observed: 3 variant alleles.
Comment: EEF2: BP4, BP7

Labcorp Genetics (formerly Invitae), Labcorp
Classification: Benign. Last evaluated: 2025-12-26. Review status: criteria provided, single submitter. Criteria: Invitae Variant Classification Sherloc (09022015). Collection method: clinical testing. Allele origin: germline.

Athena Diagnostics
Classification: Benign. Last evaluated: 2025-01-17. Review status: criteria provided, single submitter. Criteria: Athena Diagnostics Criteria. Collection method: clinical testing. Allele origin: unknown.
Comment: The frequency of this variant in the general population is higher than would generally be expected for pathogenic variants in this gene.

Blueprint Genetics
Classification: Likely benign. Last evaluated: 2024-11-28. Review status: criteria provided, single submitter. Criteria: ACMG Guidelines, 2015. Collection method: clinical testing. Allele origin: germline.

PreventionGenetics, part of Exact Sciences
Classification: Likely benign for EEF2-related condition. Last evaluated: 2020-02-11. Review status: no assertion criteria provided. Collection method: clinical testing. Allele origin: germline. Not counted in ClinVar's aggregate classification.
Comment: This variant is classified as likely benign based on ACMG/AMP sequence variant interpretation guidelines (Richards et al. 2015 PMID: 25741868, with internal and published modifications).

NM_001961.4(EEF2):c.1677G>A (p.Lys559=)

Gene: EEF2 (eukaryotic translation elongation factor 2; minus strand). Cytogenetic location: 19p13.3.
Variant type: single nucleotide variant.
Coding change: c.1677G>A on transcript NM_001961.4 (MANE Select); coding-DNA position 1677, G replaced by A.
Protein change: p.Lys559=; no amino-acid change (lysine 559 retained).
Molecular consequence: synonymous variant.
Genome position (GRCh38, 1-based): chr19:3,979,365, C>T on the plus strand (G>A on the coding strand, the complement: EEF2 is on the minus strand). VCF-style: chr19-3979365-C-T. GRCh37 (hg19) VCF-style: chr19-3979363-C-T.
Identifiers: ClinVar variation 724567 (VCV000724567.35), dbSNP rs146823249, ClinGen allele CA9088803.